The following is an entry in ClinVar:

NM_000089.4(COL1A2):c.3887ATG[1] (p.Asp1297del)

Gene: COL1A2 (collagen type I alpha 2 chain; plus strand). Cytogenetic location: 7q21.3.
Variant type: Microsatellite.
Coding change: c.3887ATG[1] on transcript NM_000089.4 (MANE Select); one copy of the 3-base unit ATG starting at c.3887; the reference has two copies in a row; one copy, 3 bases deleted.
Protein change: p.Asp1297del; deletes aspartic acid 1297.
Genome position (GRCh38, 1-based): chr7:94,429,366-94,429,368, ATG deleted; deleting any 3 consecutive bases within chr7:94,429,363-94,429,368 gives the same sequence; the position shown is the placement nearest the transcript's 3' end. VCF-style (leftmost placement, unchanged base first): chr7-94429362-AATG-A. GRCh37 (hg19) VCF-style: chr7-94058674-AATG-A.
Other names: short protein forms D1297del.
Identifiers: ClinVar variation 4792189 (VCV004792189.1).

ClinVar aggregate classification (germline): Uncertain significance (1 of 4 stars; one submission).

Conditions:
Ehlers-Danlos syndrome, classic type, 1 (EDSCL1). Also called: EHLERS-DANLOS SYNDROME, GRAVIS TYPE; EHLERS-DANLOS SYNDROME, SEVERE CLASSIC TYPE; Ehlers-Danlos syndrome, type 1; Ehlers-Danlos Syndrome, Classic Type, COL5A1-Related; EDS I. Identifiers: MedGen C0268335, MONDO:0019567, OMIM 130000.
Osteogenesis imperfecta type I (OI1). Also called: OI, TYPE I; OSTEOGENESIS IMPERFECTA TARDA; OSTEOGENESIS IMPERFECTA WITH BLUE SCLERAE; Osteogenesis imperfecta type 1; Lobstein's Disease; Lobstein disease. Identifiers: Orphanet 216796, Orphanet 666, MedGen C0023931, MONDO:0008146, OMIM 166200. Disease mechanism: loss of function.

Submission:

Labcorp Genetics (formerly Invitae), Labcorp
Classification: Uncertain significance for Osteogenesis imperfecta type I; Ehlers-Danlos syndrome, classic type, 1. Last evaluated: 2025-07-16. Review status: criteria provided, single submitter. Criteria: Invitae Variant Classification Sherloc (09022015). Collection method: clinical testing. Allele origin: germline.
Comment: This variant, c.3890_3892del, results in the deletion of 1 amino acid(s) of the COL1A2 protein (p.Asp1297del), but otherwise preserves the integrity of the reading frame. This variant is not present in population databases (gnomAD no frequency). This variant has not been reported in the literature in individuals affected with COL1A2-related conditions. Experimental studies and prediction algorithms are not available or were not evaluated, and the functional significance of this variant is currently unknown. In summary, the available evidence is currently insufficient to determine the role of this variant in disease. Therefore, it has been classified as a Variant of Uncertain Significance.